The following is an entry in ClinVar:

NM_005726.6(TSFM):c.831del (p.Glu278fs)

Gene: TSFM (Ts translation elongation factor, mitochondrial; plus strand). Cytogenetic location: 12q14.1.
Variant type: Deletion.
Coding change: c.831del on transcript NM_005726.6 (MANE Select); coding-DNA position 831, one base deleted (A; older notation c.831delA).
Protein change: p.Glu278fs; shifts the reading frame from glutamic acid 278.
Molecular consequence: frameshift variant. On other transcripts: 3 prime UTR variant (1), intron variant (1).
Genome position (GRCh38, 1-based): chr12:57,796,436, A deleted. VCF-style (leftmost placement, unchanged base first): chr12-57796435-GA-G. GRCh37 (hg19) VCF-style: chr12-58190218-GA-G.
Other names: c.*239del (NM_001172695.2); c.894del, p.Glu299fs (NM_001172696.2); c.571+3363del (NM_001172697.2); short protein forms E278fs, E299fs.
Identifiers: ClinVar variation 4814683 (VCV004814683.1).

ClinVar aggregate classification (germline): Likely pathogenic (1 of 4 stars; one submission).

Conditions:
Fatal mitochondrial disease due to combined oxidative phosphorylation defect type 3. Also called: Combined oxidative phosphorylation deficiency 3; ENCEPHALOMYOPATHY, RESPIRATORY FAILURE, AND LACTIC ACIDOSIS. Identifiers: Orphanet 168566, MedGen C1864840, MONDO:0012512, OMIM 610505.

Submission:

Natera, Inc.
Classification: Likely pathogenic for Combined oxidative phosphorylation deficiency 3. Last evaluated: 2025-11-17. Review status: criteria provided, single submitter. Criteria: Natera Variant Classification Schema (03/2026). Collection method: clinical testing. Allele origin: germline.
Comment: The c.894del variant in TSFM is a frameshift variant predicted to shift the reading frame beginning at codon 299 and leads to a stop codon 30 codons downstream. This variant is expected to result in nonsense mediated decay, truncation, or a dysfunctional protein product. This variant is rare in the general population with a frequency below the threshold expected for the associated phenotype(s). Given the available evidence, this variant is classified as Likely Pathogenic.